The following is an entry in ClinVar:

NM_000116.5(TAFAZZIN):c.367C>T (p.Arg123Ter)

Gene: TAFAZZIN (tafazzin, phospholipid-lysophospholipid transacylase; plus strand). Cytogenetic location: Xq28.
Variant type: single nucleotide variant.
Coding change: c.367C>T on transcript NM_000116.5 (MANE Select); coding-DNA position 367, C replaced by T.
Protein change: p.Arg123Ter; replaces arginine 123 with a stop codon.
Molecular consequence: nonsense. On other transcripts: non-coding transcript variant (1).
Genome position (GRCh38, 1-based): chrX:154,413,564, C>T. VCF-style: chrX-154413564-C-T. GRCh37 (hg19) VCF-style: chrX-153641901-C-T.
Other names: c.421C>T, p.Arg141Ter (NM_001303465.2); c.367C>T, p.Arg123Ter (NM_181311.4, NM_181312.4, NM_181313.4); c.367C>T (NM_000116.3); short protein forms R123*, R141*.
Identifiers: ClinVar variation 560626 (VCV000560626.10), dbSNP rs1569552731, ClinGen allele CA415182131.
Genomic context (GRCh38, chrX:154,413,564, plus strand): 5'-TGCTTCACCAAGGAGCTACACTCCCACTTCTTCAGCTTGGGCAAGTGTGTGCCTGTGTGC[C>T]GAGGTGAGCTGCTCCTCCAGCGAGTGCAGGGAGGCACTTCTGGGGCAGGAAAGCTGGTGG-3'

ClinVar aggregate classification (germline): Pathogenic. Review status: criteria provided, multiple submitters, no conflicts (2 of 4 stars). 4 submissions from 4 submitters: Pathogenic (3). 1 of the submissions does not count toward it. Last evaluated 2025-02-18.

Conditions:
TAFAZZIN-related disorder. Also called: TAFAZZIN-related condition; TAFAZZIN-Related Disorders.
3-Methylglutaconic aciduria type 2 (BTHS). Also called: CARDIOSKELETAL MYOPATHY WITH NEUTROPENIA AND ABNORMAL MITOCHONDRIA; Barth syndrome. Identifiers: Orphanet 111, MedGen C0574083, MONDO:0010543, OMIM 302060.

Submissions (4):

PreventionGenetics, part of Exact Sciences
Classification: Pathogenic for TAFAZZIN-related condition. Last evaluated: 2025-02-18. Review status: criteria provided, single submitter. Criteria: ACMG Guidelines, 2015. Collection method: clinical testing. Allele origin: germline.
Comment: The TAFAZZIN c.367C>T variant is predicted to result in premature protein termination (p.Arg123*). This variant has previously been reported to be causative for Barth Syndrome or TAFAZZIN-related disorders (See for examples: van Werkhoven et al. 2006. PubMed ID: 16873891; Akiyama et al. 2021. PubMed ID: 33574353). This variant has not been reported in a large population database (gnomAD), indicating this variant is rare. Nonsense variants in TAFAZZIN are expected to be pathogenic. This variant is interpreted as pathogenic.

GeneDx
Classification: Pathogenic. Last evaluated: 2025-02-12. Review status: criteria provided, single submitter. Criteria: GeneDx Variant Classification Process June 2021. Collection method: clinical testing. Allele origin: germline. Affected: yes.
Comment: Nonsense variant predicted to result in protein truncation or nonsense mediated decay in a gene for which loss of function is a known mechanism of disease; Not observed at significant frequency in large population cohorts (gnomAD); This variant is associated with the following publications: (PMID: 25525159, 16873891, 28183324, 33574353, 29249525, 32369273)

Labcorp Genetics (formerly Invitae), Labcorp
Classification: Pathogenic for 3-Methylglutaconic aciduria type 2. Last evaluated: 2024-06-30. Review status: criteria provided, single submitter. Criteria: Invitae Variant Classification Sherloc (09022015). Collection method: clinical testing. Allele origin: germline.
Comment: This sequence change creates a premature translational stop signal (p.Arg123*) in the TAZ gene. It is expected to result in an absent or disrupted protein product. Loss-of-function variants in TAZ are known to be pathogenic (PMID: 16427346, 22382802, 23409742). This variant is not present in population databases (gnomAD no frequency). This premature translational stop signal has been observed in individuals with Barth syndrome (PMID: 16873891, 23409742, 28183324; Invitae). ClinVar contains an entry for this variant (Variation ID: 560626). For these reasons, this variant has been classified as Pathogenic.

Clinical Molecular Genetics Laboratory, Johns Hopkins All Children's Hospital
Classification: Pathogenic for 3-Methylglutaconic aciduria type 2. Last evaluated: 2016-04-25. Review status: no assertion criteria provided. Collection method: clinical testing. Allele origin: germline. Affected: yes. Not counted in ClinVar's aggregate classification.

Literature cited by the submitters: PubMed 16427346 (cited by Labcorp Genetics (formerly Invitae), Labcorp); PubMed 22382802 (cited by Labcorp Genetics (formerly Invitae), Labcorp); PubMed 23409742 (cited by Labcorp Genetics (formerly Invitae), Labcorp); PubMed 16873891 (cited by Labcorp Genetics (formerly Invitae), Labcorp); PubMed 28183324 (cited by Labcorp Genetics (formerly Invitae), Labcorp).